The following is an entry in ClinVar:

ClinVar aggregate classification (germline): Uncertain significance (1 of 4 stars; one submission).

Submission:

GeneDx
Classification: Uncertain significance. Last evaluated: 2025-02-20. Review status: criteria provided, single submitter. Criteria: GeneDx Variant Classification Process June 2021. Collection method: clinical testing. Allele origin: germline. Affected: yes.
Comment: Not observed at significant frequency in large population cohorts (gnomAD); In silico analysis supports that this missense variant has a deleterious effect on protein structure/function; Has not been previously published as pathogenic or benign to our knowledge

NM_007118.4(TRIO):c.5338C>G (p.Pro1780Ala)

Gene: TRIO (trio Rho guanine nucleotide exchange factor; plus strand). Cytogenetic location: 5p15.2.
Variant type: single nucleotide variant.
Coding change: c.5338C>G on transcript NM_007118.4 (MANE Select); coding-DNA position 5338, C replaced by G.
Protein change: p.Pro1780Ala; replaces proline 1780 with alanine.
Molecular consequence: missense variant. On other transcripts: non-coding transcript variant (1).
Genome position (GRCh38, 1-based): chr5:14,461,153, C>G. VCF-style: chr5-14461153-C-G. GRCh37 (hg19) VCF-style: chr5-14461262-C-G.
Other names: short protein forms P1780A.
Identifiers: ClinVar variation 4076863 (VCV004076863.1).